The following is an entry in ClinVar:

NM_018122.5(DARS2):c.1192-2A>G

Gene: DARS2 (aspartyl-tRNA synthetase 2, mitochondrial; plus strand). Cytogenetic location: 1q25.1.
Variant type: single nucleotide variant.
Coding change: c.1192-2A>G on transcript NM_018122.5 (MANE Select); the canonical splice acceptor site of the intron before coding-DNA position 1192, A replaced by G.
Molecular consequence: splice acceptor variant. On other transcripts: intron variant (1).
Genome position (GRCh38, 1-based): chr1:173,850,325, A>G. VCF-style: chr1-173850325-A-G. GRCh37 (hg19) VCF-style: chr1-173819463-A-G.
Other names: NM_001365213.2:c.1192-2A>G; c.1192-3024A>G (NM_001365212.1); c.1192-2A>G (NM_001365213.2).
Identifiers: ClinVar variation 3776822 (VCV003776822.2).
Genomic context (GRCh38, chr1:173,850,325, plus strand): 5'-TAAATTAATCCCACTGTTCAAAAAAAAAAAAAAACGTGAATAAGTCTTTTTCTTTTACAC[A>G]GGAAATCTTACCTGTATTCCTTAACGCCAATAGAAACTGGAATTCTCCAGTTGCTAATTT-3'

ClinVar aggregate classification (germline): Conflicting classifications of pathogenicity. Review status: criteria provided, conflicting classifications (1 of 4 stars). 2 submissions from 2 submitters: Likely pathogenic (1); Uncertain significance (1). Last evaluated 2025-01-21.

Conditions:
DARS2-related disorder. Also called: DARS2-related condition.
Leukoencephalopathy with brain stem and spinal cord involvement-high lactate syndrome (LBSL). Also called: LEUKOENCEPHALOPATHY WITH BRAINSTEM AND SPINAL CORD INVOLVEMENT AND LACTATE ELEVATION, MILD; MITOCHONDRIAL ASPARTYL-tRNA SYNTHETASE DEFICIENCY; Leukoencephalopathy with Brainstem and Spinal Cord Involvement and Lactate Elevation. Identifiers: Orphanet 137898, MedGen C1970180, MONDO:0012622, OMIM 611105.

Submissions (2):

Broad Center for Mendelian Genomics, Broad Institute of MIT and Harvard
Classification: Uncertain significance for Leukoencephalopathy with brain stem and spinal cord involvement-high lactate syndrome. Last evaluated: 2025-01-21. Review status: criteria provided, single submitter. Criteria: ACMG Guidelines, 2015. Collection method: curation. Allele origin: germline. Inheritance: Autosomal recessive inheritance.
Comment: The c.1192-2A>G variant in DARS2 has been reported, in the compound heterozygous state, in 2 siblings with leukoencephalopathy with brain stem and spinal cord involvement-high lactate syndrome (PMID: 30635318), and has been identified in 0.001% (1/74234) of African/African American chromosomes by the Genome Aggregation Database (gnomAD; dbSNP rs1367179927). Although this variant has been seen in the general population in the heterozygous state, its frequency is low enough to be consistent with a recessive carrier frequency. This variant is located in the 3' splice region. Computational prediction tools predict a splicing impact, though this information is not predictive enough to determine/rule out pathogenicity. This variant is adjacent to an in-frame exon and is more likely to escape nonsense mediated decay (NMD) and result in a truncated protein. Furthermore, there is at least one pathogenic variant in this exon which indicates that this region of DARS2 may be essential to protein folding and stability, suggesting that this variant is in a functional domain and supports pathogenicity. Loss of function of the DARS2 gene is an established disease mechanism in autosomal recessive leukoencephalopathy with brain stem and spinal cord involvement-high lactate syndrome. In summary, the clinical significance of the c.1192-2A>G variant is uncertain. ACMG/AMP Criteria applied: PVS1_strong, PM2_supporting (Richards 2015).

Blueprint Genetics
Classification: Likely pathogenic for DARS2-related disorders. Last evaluated: 2018-08-29. Review status: criteria provided, single submitter. Criteria: ACMG Guidelines, 2015. Collection method: clinical testing. Allele origin: germline. Affected: yes. Observed: 2 variant alleles.